The following is an entry in ClinVar:

NM_004385.5(VCAN):c.6237G>A (p.Lys2079=)

Genes: VCAN (versican; plus strand), VCAN-AS1 (VCAN antisense RNA 1; minus strand). Cytogenetic location: 5q14.3.
Variant type: single nucleotide variant.
Coding change: c.6237G>A on transcript NM_004385.5 (MANE Select); coding-DNA position 6237, G replaced by A.
Protein change: p.Lys2079=; no amino-acid change (lysine 2079 retained).
Molecular consequence: synonymous variant. On other transcripts: intron variant (2).
Genome position (GRCh38, 1-based): chr5:83,539,240, G>A. VCF-style: chr5-83539240-G-A. GRCh37 (hg19) VCF-style: chr5-82835059-G-A.
Other names: c.3276G>A, p.Lys1092= (NM_001164097.2); c.4004-6297G>A (NM_001164098.2); c.1043-6297G>A (NM_001126336.3).
Identifiers: ClinVar variation 259372 (VCV000259372.18), dbSNP rs80200229, ClinGen allele CA3333460.

ClinVar aggregate classification (germline): Benign/Likely benign. Review status: criteria provided, multiple submitters, no conflicts (2 of 4 stars). 4 submissions from 4 submitters: Benign (2); Likely benign (2). Last evaluated 2026-02-02.

Conditions:
Vitreoretinopathy. Also called: Vitreoretinal degeneration. Identifiers: MedGen C0344290, MONDO:0020248, HP:0007773.

Allele frequency attached by ClinVar (database versions not stated): gnomAD exomes 0.00290; ExAC 0.00347; 1000 Genomes Project 0.01058; 1000 Genomes Project 30x 0.01187; TOPMed 0.01428; gnomAD 0.01200 and 0.01278; ESP Exome Variant Server 0.01246.
gnomAD v4.1: 3,650 of 1,614,038 alleles (0.23%); highest among the groups gnomAD compares: African/African-American, 4.3%; 85 homozygotes.

Submissions (4):

Labcorp Genetics (formerly Invitae), Labcorp
Classification: Benign. Last evaluated: 2026-02-02. Review status: criteria provided, single submitter. Criteria: Invitae Variant Classification Sherloc (09022015). Collection method: clinical testing. Allele origin: germline.

Illumina Laboratory Services, Illumina
Classification: Benign for Vitreoretinopathy. Last evaluated: 2018-01-12. Review status: criteria provided, single submitter. Criteria: ICSL Variant Classification Criteria 13 December 2019. Collection method: clinical testing. Allele origin: germline.
Comment: This variant was observed in the ICSL laboratory as part of a predisposition screen in an ostensibly healthy population. It had not been previously curated by ICSL or reported in the Human Gene Mutation Database (HGMD: prior to June 1st, 2018), and was therefore a candidate for classification through an automated scoring system. Utilizing variant allele frequency, disease prevalence and penetrance estimates, and inheritance mode, an automated score was calculated to assess if this variant is too frequent to cause the disease. Based on the score and internal cut-off values, a variant classified as benign is not then subjected to further curation. The score for this variant resulted in a classification of benign for this disease.

Breakthrough Genomics
Classification: Likely benign. Review status: criteria provided, single submitter. Criteria: ACMG Guidelines, 2015. Collection method: not provided. Allele origin: germline. Inheritance: Autosomal dominant inheritance. Affected: yes.

PreventionGenetics, part of Exact Sciences
Classification: Likely benign. Review status: criteria provided, single submitter. Criteria: ACMG Guidelines, 2015. Collection method: clinical testing. Allele origin: germline.